The following is an entry in ClinVar:

NM_000435.3(NOTCH3):c.4171G>C (p.Ala1391Pro)

Genes: NOTCH3 (notch receptor 3; minus strand), LOC130063807 (ATAC-STARR-seq lymphoblastoid silent region 10267; plus strand). Cytogenetic location: 19p13.12.
Variant type: single nucleotide variant.
Coding change: c.4171G>C on transcript NM_000435.3 (MANE Select); coding-DNA position 4171, G replaced by C.
Protein change: p.Ala1391Pro; replaces alanine 1391 with proline.
Molecular consequence: missense variant.
Genome position (GRCh38, 1-based): chr19:15,177,757, C>G on the plus strand (G>C on the coding strand, the complement: NOTCH3 is on the minus strand). VCF-style: chr19-15177757-C-G. GRCh37 (hg19) VCF-style: chr19-15288568-C-G.
Other names: c.4171G>C (NM_000435.2); short protein forms A1391P.
Identifiers: ClinVar variation 2578821 (VCV002578821.27), dbSNP rs1486588342, ClinGen allele CA404504454.

ClinVar aggregate classification (germline): Uncertain significance. Review status: criteria provided, multiple submitters, no conflicts (2 of 4 stars). 3 submissions from 3 submitters: Uncertain significance (3). Last evaluated 2026-03-18.

Conditions:
Inborn genetic diseases. Identifiers: MedGen C0950123, MeSH D030342.

Allele frequency attached by ClinVar (database versions not stated): gnomAD exomes 0.00001; TOPMed 0.00002; gnomAD 0.00003; 1000 Genomes Project 30x 0.00016.
gnomAD v4.1: 15 of 1,391,884 alleles (0.0011%); highest among the groups gnomAD compares: East Asian, 0.021%; no homozygotes.

Submissions (3):

Women's Health and Genetics/Laboratory Corporation of America, LabCorp
Classification: Uncertain significance. Last evaluated: 2026-03-18. Review status: criteria provided, single submitter. Criteria: LabCorp Variant Classification Summary - May 2015. Collection method: clinical testing. Allele origin: germline.
Comment: Variant summary: NOTCH3 c.4171G>C (p.Ala1391Pro) results in a non-conservative amino acid change located in the Notch domain (IPR000800) of the encoded protein sequence. Algorithms developed to predict the effect of missense changes on protein structure and function are either unavailable or do not agree on the potential impact of this missense change. The variant allele was found at a frequency of 1.1e-05 in 1387164 control chromosomes (gnomAD). This frequency is not higher than the maximum estimated for disease-causing variants in NOTCH3, allowing no conclusion about variant significance. To our knowledge, no occurrence of c.4171G>C in individuals affected with NOTCH3-related conditions and no experimental evidence demonstrating its impact on protein function have been reported. The following publications have been ascertained in the context of this evaluation (PMID: 39201482, 33942994). ClinVar contains an entry for this variant (Variation ID: 2578821). Based on the evidence outlined above, the variant was classified as uncertain significance.

Ambry Genetics
Classification: Uncertain significance for Inborn genetic diseases. Last evaluated: 2024-08-14. Review status: criteria provided, single submitter. Criteria: Ambry Variant Classification Scheme 2023. Collection method: clinical testing. Allele origin: germline.

CeGaT Center for Human Genetics Tuebingen
Classification: Uncertain significance. Last evaluated: 2023-09-01. Review status: criteria provided, single submitter. Criteria: CeGaT Center For Human Genetics Tuebingen Variant Classification Criteria Version 2. Collection method: clinical testing. Allele origin: germline. Affected: yes. Observed: 1 variant allele.
Comment: NOTCH3: PP2, BS1:Supporting

Literature cited by the submitters: PubMed 33942994 (cited by Women's Health and Genetics/Laboratory Corporation of America, LabCorp); PubMed 39201482 (cited by Women's Health and Genetics/Laboratory Corporation of America, LabCorp).